The following is an entry in ClinVar:

NM_001165963.4(SCN1A):c.2946+162_2946+165del

Gene: SCN1A (sodium voltage-gated channel alpha subunit 1; minus strand). Cytogenetic location: 2q24.3.
Variant type: Microsatellite.
Coding change: c.2946+162_2946+165del on transcript NM_001165963.4 (MANE Select); bases 162 to 165 of the intron after coding-DNA position 2946, 4 bases deleted (AAAC; older notation c.2946+162_2946+165delAAAC).
Molecular consequence: intron variant.
Genome position (GRCh38, 1-based): chr2:166,037,611-166,037,614, GTTT deleted on the plus strand (AAAC on the coding strand, the reverse complement: SCN1A is on the minus strand); deleting any 4 consecutive bases within chr2:166,037,611-166,037,618 gives the same sequence; the c. name uses the placement nearest the transcript's 3' end. VCF-style (leftmost placement, unchanged base first): chr2-166037610-AGTTT-A. GRCh37 (hg19) VCF-style: chr2-166894120-AGTTT-A.
Other names: c.2913+162_2913+165del (NM_001353949.2, NM_001353950.2, NM_001353951.2 and 2 more transcripts); c.2862+162_2862+165del (NM_001353958.2, NM_001353957.2, NM_001165964.3); c.2946+162_2946+165del (NM_001202435.3, NM_001353948.2); c.2910+162_2910+165del (NM_001353955.2, NM_001353954.2); c.2859+162_2859+165del (NM_001353960.2); c.504+162_504+165del (NM_001353961.2).
Identifiers: ClinVar variation 669304 (VCV000669304.1), dbSNP rs66463257, ClinGen allele CA59788245.

ClinVar aggregate classification (germline): Benign (1 of 4 stars; one submission).

Submission:

GeneDx
Classification: Benign. Last evaluated: 2018-06-14. Review status: criteria provided, single submitter. Criteria: GeneDx Variant Classification (06012015). Collection method: clinical testing. Allele origin: germline. Affected: yes.
Comment: This variant is considered likely benign or benign based on one or more of the following criteria: it is a conservative change, it occurs at a poorly conserved position in the protein, it is predicted to be benign by multiple in silico algorithms, and/or has population frequency not consistent with disease.